The following is an entry in ClinVar:

NM_000355.4(TCN2):c.426del (p.Ile142fs)

Gene: TCN2 (transcobalamin 2; plus strand). Cytogenetic location: 22q12.2.
Variant type: Deletion.
Coding change: c.426del on transcript NM_000355.4 (MANE Select); coding-DNA position 426, one base deleted (T; older notation c.426delT).
Protein change: p.Ile142fs; shifts the reading frame from isoleucine 142.
Molecular consequence: frameshift variant. On other transcripts: intron variant (1).
Genome position (GRCh38, 1-based): chr22:30,613,041, T deleted; the last of 2 consecutive T bases (chr22:30,613,040-30,613,041); deleting either gives the same sequence. VCF-style (leftmost placement, unchanged base first): chr22-30613039-AT-A. GRCh37 (hg19) VCF-style: chr22-31009026-AT-A.
Other names: c.346+80del (NM_001184726.2); short protein forms I142fs.
Identifiers: ClinVar variation 850875 (VCV000850875.5), dbSNP rs2087564577, ClinGen allele CA916081241.

ClinVar aggregate classification (germline): Pathogenic (1 of 4 stars; one submission).

Conditions:
Transcobalamin II deficiency (TCN2D). Also called: TC II DEFICIENCY; TCN2 DEFICIENCY; Transcolabamin II deficiency. Identifiers: Orphanet 859, MedGen C0342701, MONDO:0010149, OMIM 275350.

Submission:

Labcorp Genetics (formerly Invitae), Labcorp
Classification: Pathogenic for Transcobalamin II deficiency. Last evaluated: 2020-12-20. Review status: criteria provided, single submitter. Criteria: Invitae Variant Classification Sherloc (09022015). Collection method: clinical testing. Allele origin: germline.
Comment: This sequence change creates a premature translational stop signal (p.Ile142Metfs*65) in the TCN2 gene. It is expected to result in an absent or disrupted protein product. This variant is not present in population databases (ExAC no frequency). This variant has not been reported in the literature in individuals with TCN2-related conditions. Loss-of-function variants in TCN2 are known to be pathogenic (PMID: 7980584, 20352340). For these reasons, this variant has been classified as Pathogenic.

Literature cited by the submitters: PubMed 7980584; PubMed 20352340.